The following is an entry in ClinVar:

ClinVar aggregate classification (germline): Uncertain significance (1 of 4 stars; one submission).

Submission:

Labcorp Genetics (formerly Invitae), Labcorp
Classification: Uncertain significance. Last evaluated: 2019-11-07. Review status: criteria provided, single submitter. Criteria: Invitae Variant Classification Sherloc (09022015). Collection method: clinical testing. Allele origin: germline.
Comment: This variant results in a copy number gain of the genomic region encompassing exon 1 of the COL4A1 gene, which includes the initiator codon. The 5' end of this event is unknown as it extends beyond the assayed region for this gene and therefore may encompass additional genes. The 3' boundary is likely confined to intron 1 of the COL4A1 gene. As the precise location of this event is unknown, it may be in tandem or it may be located elsewhere in the genome. A similar duplication has not been reported in the literature in individuals with COL4A1-related conditions. In summary, the available evidence is currently insufficient to determine the role of this variant in disease. Therefore, it has been classified as a Variant of Uncertain Significance.

NC_000013.11:g.(?_110306924)_(110307047_?)dup

Gene: COL4A1 (collagen type IV alpha 1 chain; minus strand). Cytogenetic location: 13q34.
Variant type: Duplication.
Identifiers: ClinVar variation 833213 (VCV000833213.2).